The following is an entry in ClinVar:

ClinVar aggregate classification (germline): Uncertain significance (1 of 4 stars; one submission).

Conditions:
Hereditary cancer-predisposing syndrome. Also called: Neoplastic Syndromes, Hereditary; Hereditary Cancer Syndrome; Tumor predisposition; Hereditary neoplastic syndrome. Identifiers: Orphanet 140162, MedGen C0027672, MeSH D009386, MONDO:0015356.

Submission:

Ambry Genetics
Classification: Uncertain significance for Hereditary cancer-predisposing syndrome. Last evaluated: 2025-05-25. Review status: criteria provided, single submitter. Criteria: Ambry Variant Classification Scheme 2023. Collection method: clinical testing. Allele origin: germline.
Comment: The c.245-1567delA intronic variant, located in intron 1 of the TMEM127 gene, results from a deletion of one nucleotide within intron 1 of the TMEM127 gene. This nucleotide position is not well conserved in available vertebrate species. In silico splice site analysis for this alteration is inconclusive. RNA studies have demonstrated that this alteration results in a splice defect; the clinical impact of this abnormal splicing is unknown at this time (Ambry internal data). Since supporting evidence is limited at this time, the clinical significance of this alteration remains unclear.

NM_017849.4(TMEM127):c.245-1567del

Gene: TMEM127 (transmembrane protein 127; minus strand). Cytogenetic location: 2q11.2.
Variant type: Deletion.
Coding change: c.245-1567del on transcript NM_017849.4 (MANE Select); 1567 bases into the intron before coding-DNA position 245, one base deleted (A; older notation c.245-1567delA).
Molecular consequence: intron variant.
Genome position (GRCh38, 1-based): chr2:96,256,564, T deleted on the plus strand (A on the coding strand, the reverse complement: TMEM127 is on the minus strand). VCF-style (leftmost placement, unchanged base first): chr2-96256563-CT-C. GRCh37 (hg19) VCF-style: chr2-96922301-CT-C.
Other names: c.-8-1567del (NM_001407283.1, NM_001407282.1); c.245-1567del (NM_001193304.3).
Identifiers: ClinVar variation 2448381 (VCV002448381.3), dbSNP rs1684212394, ClinGen allele CA1272523288.